The following is an entry in ClinVar:

ClinVar aggregate classification (germline): Uncertain significance (1 of 4 stars; one submission).

Conditions:
Cohen syndrome (COH1). Also called: Cutis verticis gyrata, retinitis pigmentosa, and sensorineural deafness; PEPPER SYNDROME. Identifiers: Orphanet 193, MedGen C0265223, MONDO:0008999, OMIM 216550.

Submission:

Labcorp Genetics (formerly Invitae), Labcorp
Classification: Uncertain significance for Cohen syndrome. Last evaluated: 2023-07-21. Review status: criteria provided, single submitter. Criteria: Invitae Variant Classification Sherloc (09022015). Collection method: clinical testing. Allele origin: germline.
Comment: In summary, the available evidence is currently insufficient to determine the role of this variant in disease. Therefore, it has been classified as a Variant of Uncertain Significance. This sequence change replaces leucine, which is neutral and non-polar, with valine, which is neutral and non-polar, at codon 2370 of the VPS13B protein (p.Leu2370Val). This variant is not present in population databases (gnomAD no frequency). This variant has not been reported in the literature in individuals affected with VPS13B-related conditions. ClinVar contains an entry for this variant (Variation ID: 2116051). Advanced modeling of protein sequence and biophysical properties (such as structural, functional, and spatial information, amino acid conservation, physicochemical variation, residue mobility, and thermodynamic stability) performed at Invitae indicates that this missense variant is expected to disrupt VPS13B protein function.

NM_152564.5(VPS13B):c.7033C>G (p.Leu2345Val)

Gene: VPS13B (vacuolar protein sorting 13 homolog B; plus strand). Cytogenetic location: 8q22.2.
Variant type: single nucleotide variant.
Coding change: c.7033C>G on transcript NM_152564.5 (MANE Select); coding-DNA position 7033, C replaced by G.
Protein change: p.Leu2345Val; replaces leucine 2345 with valine.
Molecular consequence: missense variant.
Genome position (GRCh38, 1-based): chr8:99,721,030, C>G. VCF-style: chr8-99721030-C-G. GRCh37 (hg19) VCF-style: chr8-100733258-C-G.
Other names: c.7108C>G, p.Leu2370Val (NM_017890.5); short protein forms L2345V, L2370V.
Identifiers: ClinVar variation 2116051 (VCV002116051.4), dbSNP rs2491580758, ClinGen allele CA371868665.